The following is an entry in ClinVar:

NM_000179.3(MSH6):c.2166T>G (p.Ser722=)

Gene: MSH6 (mutS homolog 6; plus strand). Cytogenetic location: 2p16.3.
Variant type: single nucleotide variant.
Coding change: c.2166T>G on transcript NM_000179.3 (MANE Select); coding-DNA position 2166, T replaced by G.
Protein change: p.Ser722=; no amino-acid change (serine 722 retained).
Molecular consequence: synonymous variant. On other transcripts: non-coding transcript variant (5), intron variant (2).
Genome position (GRCh38, 1-based): chr2:47,800,149, T>G. VCF-style: chr2-47800149-T-G. GRCh37 (hg19) VCF-style: chr2-48027288-T-G.
Other names: c.1776T>G, p.Ser592= (NM_001281492.2); c.1260T>G, p.Ser420= (NM_001281493.2, NM_001281494.2, NM_001406811.1 and 6 more transcripts); c.2262T>G, p.Ser754= (NM_001406795.1, NM_001406802.1); c.2166T>G, p.Ser722= (NM_001406796.1, NM_001406798.1, NM_001406800.1 and 3 more transcripts); c.1869T>G, p.Ser623= (NM_001406797.1, NM_001406801.1, NM_001406805.1 and 10 more transcripts); c.1641T>G, p.Ser547= (NM_001406799.1, NM_001406806.1, NM_001406807.1); c.2088T>G, p.Ser696= (NM_001406804.1); c.2172T>G, p.Ser724= (NM_001406813.1); and 3 more.
Identifiers: ClinVar variation 3903963 (VCV003903963.1).

ClinVar aggregate classification (germline): Benign (1 of 4 stars; one submission).

Conditions:
Lynch syndrome 5 (LYNCH5). Also called: Colorectal cancer, hereditary nonpolyposis, type 5; Hereditary non-polyposis colorectal cancer, type 5. Identifiers: Orphanet 144, MedGen C1833477, MONDO:0013710, OMIM 614350. Disease mechanism: loss of function.

Submission:

Myriad Genetics, Inc.
Classification: Benign for Lynch syndrome 5. Last evaluated: 2024-12-30. Review status: criteria provided, single submitter. Criteria: Myriad Autosomal Dominant, Autosomal Recessive and X-Linked Classification Criteria (2023). Collection method: clinical testing. Allele origin: unknown.
Comment: This variant is considered benign. This variant is a silent/synonymous amino acid change and it is not expected to impact splicing.